The following is an entry in ClinVar:

NM_015166.4(MLC1):c.*1963C>G

Gene: MLC1 (modulator of VRAC current 1; minus strand). Cytogenetic location: 22q13.33.
Variant type: single nucleotide variant.
Coding change: c.*1963C>G on transcript NM_015166.4 (MANE Select); 1963 bases downstream of the stop codon, C replaced by G.
Molecular consequence: 3 prime UTR variant. On other transcripts: non-coding transcript variant (3).
Genome position (GRCh38, 1-based): chr22:50,059,620, G>C on the plus strand (C>G on the coding strand, the complement: MLC1 is on the minus strand). VCF-style: chr22-50059620-G-C. GRCh37 (hg19) VCF-style: chr22-50498049-G-C.
Other names: c.*1963C>G (NM_001376472.1, NM_001376473.1, NM_001376474.1 and 9 more transcripts); c.*578C>G (NM_001376477.1, NM_001376478.1).
Identifiers: ClinVar variation 342075 (VCV000342075.6), dbSNP rs41283487, ClinGen allele CA10651492.
Genomic context (GRCh38, chr22:50,059,620, plus strand): 5'-AACTTGAGCTCTCTGGTCTGCCCCCAAGAAGACATCAGCCCGCCCCGGGTCGTCCCTGTG[G>C]CTCCCACCCCATTCCCAGGAGCAGACCCCGCCAGCCTCAAAGCTGCAGGGAGGTGGGGGT-3'

ClinVar aggregate classification (germline): Benign. Review status: criteria provided, multiple submitters, no conflicts (2 of 4 stars). 2 submissions from 2 submitters: Benign (2). Last evaluated 2018-01-13.

Conditions:
Megalencephalic leukoencephalopathy with subcortical cysts 1 (MLC1). Also called: LEUKOENCEPHALOPATHY WITH SWELLING AND CYSTS; VACUOLATING MEGALENCEPHALIC LEUKOENCEPHALOPATHY WITH SUBCORTICAL CYSTS. Identifiers: Orphanet 2478, MedGen C5779875, MONDO:0024555, OMIM 604004.

Allele frequency attached by ClinVar (database versions not stated): 1000 Genomes Project 30x 0.02327; 1000 Genomes Project 0.02456; TOPMed 0.04053; gnomAD 0.04214; gnomAD exomes 0.06923.
gnomAD v4.1: 6,340 of 152,412 alleles (4.2%); highest among the groups gnomAD compares: Middle Eastern, 12%; 187 homozygotes.

Submissions (2):

Illumina Laboratory Services, Illumina
Classification: Benign for Megalencephalic leukoencephalopathy with subcortical cysts 1. Last evaluated: 2018-01-13. Review status: criteria provided, single submitter. Criteria: ICSL Variant Classification Criteria 13 December 2019. Collection method: clinical testing. Allele origin: germline.
Comment: This variant was observed in the ICSL laboratory as part of a predisposition screen in an ostensibly healthy population. It had not been previously curated by ICSL or reported in the Human Gene Mutation Database (HGMD: prior to June 1st, 2018), and was therefore a candidate for classification through an automated scoring system. Utilizing variant allele frequency, disease prevalence and penetrance estimates, and inheritance mode, an automated score was calculated to assess if this variant is too frequent to cause the disease. Based on the score and internal cut-off values, a variant classified as benign is not then subjected to further curation. The score for this variant resulted in a classification of benign for this disease.

Breakthrough Genomics
Classification: Benign. Review status: criteria provided, single submitter. Criteria: ACMG Guidelines, 2015. Collection method: not provided. Allele origin: germline. Inheritance: Autosomal recessive inheritance. Affected: yes.